The following is an entry in ClinVar:

ClinVar aggregate classification (germline): Uncertain significance (1 of 4 stars; one submission).

Conditions:
Coffin-Siris syndrome 1 (CSS1). Also called: ARID1B-Related Coffin-Siris Syndrome; Mental retardation, autosomal dominant 12. Identifiers: Orphanet 1465, MedGen C3281201, MONDO:0007617, OMIM 135900. Disease mechanism: gain of function.

Submission:

Human Genetics Bochum, Ruhr University Bochum
Classification: Uncertain significance for Coffin-Siris syndrome 1. Last evaluated: 2024-02-02. Review status: criteria provided, single submitter. Criteria: ACMG Guidelines, 2015. Collection method: clinical testing. Allele origin: germline. Affected: yes.
Comment: ACMG criteria used to clasify this variant: PVS1_STR, PM2_SUP

NM_001374828.1(ARID1B):c.5693del (p.Lys1898fs)

Gene: ARID1B (AT-rich interaction domain 1B; plus strand). Cytogenetic location: 6q25.3.
Variant type: Deletion.
Coding change: c.5693del on transcript NM_001374828.1 (MANE Select); coding-DNA position 5693, one base deleted (A; older notation c.5693delA).
Protein change: p.Lys1898fs; shifts the reading frame from lysine 1898.
Molecular consequence: frameshift variant.
Genome position (GRCh38, 1-based): chr6:157,206,465, A deleted; the last of 3 consecutive A bases (chr6:157,206,463-157,206,465); deleting any one gives the same sequence. VCF-style (leftmost placement, unchanged base first): chr6-157206462-CA-C. GRCh37 (hg19) VCF-style: chr6-157527596-CA-C.
Other names: c.5444delA, p.Lys1815Argfs (NM_001346813.1); c.3194del, p.Lys1065fs (NM_001363725.2); c.5573del, p.Lys1858fs (NM_001371656.1, NM_001374820.1); c.5534del, p.Lys1845fs (NM_017519.3); c.5324delA, p.Lys1775Argfs (NM_020732.3); c.5111delA, p.Lys1704Argfs (NM_175863.2); short protein forms K1065fs, K1845fs, K1858fs, K1898fs.
Identifiers: ClinVar variation 3027463 (VCV003027463.1), dbSNP rs2538761879, ClinGen allele CA2740091536.
Genomic context (GRCh38, chr6:157,206,462, plus strand): 5'-AGACAGAAAGCGATGAAAAGAGCAGCATCGCTCTGACTGCCCCGGACGCCGCTGCAGACC[CA>C]AAGGAGAAGCCCAAGCAAGCCAGTAAGTTCGACAAGCTGCCAATAAAGATAGTCAAAAAG-3'